The following is an entry in ClinVar:

ClinVar aggregate classification (germline): Uncertain significance (1 of 4 stars; one submission).

Conditions:
Autosomal dominant polycystic kidney disease. Identifiers: Orphanet 730, MedGen C0085413, MONDO:0004691.

gnomAD v4.1: 1 of 1,608,222 alleles (0.000062%); highest among the groups gnomAD compares: Non-Finnish European, 0.000085%; no homozygotes.

Submission:

Labcorp Genetics (formerly Invitae), Labcorp
Classification: Uncertain significance for Autosomal dominant polycystic kidney disease. Last evaluated: 2024-03-02. Review status: criteria provided, single submitter. Criteria: Invitae Variant Classification Sherloc (09022015). Collection method: clinical testing. Allele origin: germline.
Comment: This sequence change replaces valine, which is neutral and non-polar, with glycine, which is neutral and non-polar, at codon 966 of the PKD2 protein (p.Val966Gly). This variant is present in population databases (rs754790738, gnomAD 0.0009%). This variant has not been reported in the literature in individuals affected with PKD2-related conditions. An algorithm developed to predict the effect of missense changes on protein structure and function (PolyPhen-2) suggests that this variant is likely to be tolerated. In summary, the available evidence is currently insufficient to determine the role of this variant in disease. Therefore, it has been classified as a Variant of Uncertain Significance.

NM_000297.4(PKD2):c.2897T>G (p.Val966Gly)

Gene: PKD2 (polycystin 2, transient receptor potential cation channel; plus strand). Cytogenetic location: 4q22.1.
Variant type: single nucleotide variant.
Coding change: c.2897T>G on transcript NM_000297.4 (MANE Select); coding-DNA position 2897, T replaced by G.
Protein change: p.Val966Gly; replaces valine 966 with glycine.
Molecular consequence: missense variant. On other transcripts: non-coding transcript variant (1).
Genome position (GRCh38, 1-based): chr4:88,075,684, T>G. VCF-style: chr4-88075684-T-G. GRCh37 (hg19) VCF-style: chr4-88996836-T-G.
Other names: short protein forms V966G.
Identifiers: ClinVar variation 3690013 (VCV003690013.2).